The following is an entry in ClinVar:

NM_004076.5(CRYBB3):c.447G>A (p.Ala149=)

Gene: CRYBB3 (crystallin beta B3; plus strand). Cytogenetic location: 22q11.23.
Variant type: single nucleotide variant.
Coding change: c.447G>A on transcript NM_004076.5 (MANE Select); coding-DNA position 447, G replaced by A.
Protein change: p.Ala149=; no amino-acid change (alanine 149 retained).
Molecular consequence: synonymous variant.
Genome position (GRCh38, 1-based): chr22:25,205,339, G>A. VCF-style: chr22-25205339-G-A. GRCh37 (hg19) VCF-style: chr22-25601306-G-A.
Other names: c.447G>A (NM_004076.4).
Identifiers: ClinVar variation 4947210 (VCV004947210.2).
Genomic context (GRCh38, chr22:25,205,339, plus strand): 5'-GGAGATAGTGGATGATGACGTGCCCAGCCTGTGGGCTCATGGCTTCCAGGACCGTGTGGC[G>A]AGTGTCCGTGCCATCAACGGGACGTAAGGGACCCAACCCTCACCCTTGCCCCATCTTCTG-3'
Protein context (NP_004067.1, residues 139-159): LWAHGFQDRV[Ala149=]SVRAINGTWV

ClinVar aggregate classification (germline): Conflicting classifications of pathogenicity. Review status: criteria provided, conflicting classifications (1 of 4 stars). 2 submissions from 2 submitters: Uncertain significance (1); Likely benign (1). Last evaluated 2024-12-31.

Conditions:
CRYBB3-related disorder. Also called: CRYBB3-related condition.

gnomAD v4.1: 32 of 1,614,128 alleles (0.002%); highest among the groups gnomAD compares: East Asian, 0.033%; no homozygotes.

Submissions (2):

PreventionGenetics, part of Exact Sciences
Classification: Uncertain significance for CRYBB3-related condition. Last evaluated: 2024-12-31. Review status: criteria provided, single submitter. Criteria: ACMG Guidelines, 2015. Collection method: clinical testing. Allele origin: germline.
Comment: The CRYBB3 c.447G>A variant is not predicted to result in an amino acid change (p.=). This variant is predicted to alter splicing based on available splicing prediction software (SpliceAI, Jaganathan et al. 2019. PubMed ID: 30661751). However, the use of computer prediction software is not equivalent to functional evidence. To our knowledge, this variant has not been reported in the literature. This variant is reported in 0.011% of alleles in individuals of East Asian descent in gnomAD. Although we suspect that this variant may be benign, at this time, the clinical significance of this variant is uncertain due to the absence of conclusive functional and genetic evidence.

Blueprint Genetics
Classification: Likely benign. Last evaluated: 2024-10-08. Review status: criteria provided, single submitter. Criteria: ACMG Guidelines, 2015. Collection method: clinical testing. Allele origin: germline.